The following is an entry in ClinVar:

NM_003672.4(CDC14A):c.214A>G (p.Lys72Glu)

Gene: CDC14A (cell division cycle 14A; plus strand). Cytogenetic location: 1p21.2.
Variant type: single nucleotide variant.
Coding change: c.214A>G on transcript NM_003672.4 (MANE Select); coding-DNA position 214, A replaced by G.
Protein change: p.Lys72Glu; replaces lysine 72 with glutamic acid.
Molecular consequence: missense variant. On other transcripts: 5 prime UTR variant (1).
Genome position (GRCh38, 1-based): chr1:100,377,619, A>G. VCF-style: chr1-100377619-A-G. GRCh37 (hg19) VCF-style: chr1-100843175-A-G.
Other names: c.214A>G, p.Lys72Glu (NM_001319210.2, NM_033312.3, NM_033313.3); c.40A>G, p.Lys14Glu (NM_001319211.2); c.-578A>G (NM_001319212.2); short protein forms K14E, K72E.
Identifiers: ClinVar variation 1388281 (VCV001388281.6), dbSNP rs2100948826, ClinGen allele CA341350887.
Genomic context (GRCh38, chr1:100,377,619, plus strand): 5'-TTTGGACCGCTGAACTTGGCAATGGTGTACAGATATTGCTGCAAACTAAACAAGAAACTA[A>G]AAGTGAGTATTGTAGTGATATTTATAATTTGGAATTAAAACATTTGAACCATAGGATCTG-3'
Protein context (NP_003663.2, residues 62-82): RYCCKLNKKL[Lys72Glu]SYSLSRKKIV

ClinVar aggregate classification (germline): Uncertain significance (1 of 4 stars; one submission).

gnomAD v4.1: 3 of 1,606,918 alleles (0.00019%); highest among the groups gnomAD compares: Non-Finnish European, 0.00026%; no homozygotes.

Submission:

Labcorp Genetics (formerly Invitae), Labcorp
Classification: Uncertain significance. Last evaluated: 2022-09-27. Review status: criteria provided, single submitter. Criteria: Invitae Variant Classification Sherloc (09022015). Collection method: clinical testing. Allele origin: germline.
Comment: In summary, the available evidence is currently insufficient to determine the role of this variant in disease. Therefore, it has been classified as a Variant of Uncertain Significance. Algorithms developed to predict the effect of missense changes on protein structure and function (SIFT, PolyPhen-2, Align-GVGD) all suggest that this variant is likely to be tolerated. ClinVar contains an entry for this variant (Variation ID: 1388281). This variant has not been reported in the literature in individuals affected with CDC14A-related conditions. This variant is not present in population databases (gnomAD no frequency). This sequence change replaces lysine, which is basic and polar, with glutamic acid, which is acidic and polar, at codon 72 of the CDC14A protein (p.Lys72Glu).